The following is an entry in ClinVar:

ClinVar aggregate classification (germline): Uncertain significance (1 of 4 stars; one submission).

Submission:

Labcorp Genetics (formerly Invitae), Labcorp
Classification: Uncertain significance. Last evaluated: 2025-08-26. Review status: criteria provided, single submitter. Criteria: Invitae Variant Classification Sherloc (09022015). Collection method: clinical testing. Allele origin: germline.
Comment: This sequence change replaces methionine, which is neutral and non-polar, with isoleucine, which is neutral and non-polar, at codon 151 of the GH1 protein (p.Met151Ile). This variant is not present in population databases (gnomAD no frequency). This variant has not been reported in the literature in individuals affected with GH1-related conditions. An algorithm developed to predict the effect of missense changes on protein structure and function (PolyPhen-2) suggests that this variant is likely to be tolerated. In summary, the available evidence is currently insufficient to determine the role of this variant in disease. Therefore, it has been classified as a Variant of Uncertain Significance.

NM_000515.5(GH1):c.453G>A (p.Met151Ile)

Genes: GH-LCR (growth hormone locus control region; plus strand), GH1 (growth hormone 1; minus strand). Cytogenetic location: 17q23.3.
Variant type: single nucleotide variant.
Coding change: c.453G>A on transcript NM_000515.5 (MANE Select); coding-DNA position 453, G replaced by A.
Protein change: p.Met151Ile; replaces methionine 151 with isoleucine.
Molecular consequence: missense variant.
Genome position (GRCh38, 1-based): chr17:63,917,763, C>T on the plus strand (G>A on the coding strand, the complement: GH1 is on the minus strand). VCF-style: chr17-63917763-C-T. GRCh37 (hg19) VCF-style: chr17-61995123-C-T.
Other names: c.408G>A, p.Met136Ile (NM_022559.4); c.333G>A, p.Met111Ile (NM_022560.4); short protein forms M111I, M136I, M151I.
Identifiers: ClinVar variation 4811341 (VCV004811341.1).
Genomic context (GRCh38, chr17:63,917,763, plus strand): 5'-CACAGCTCTCAAAGTCAGTGGGGCTCCAGGATTGGGGACCCCTGGCGCCACCCTCACCCC[C>T]ATCAGCGTTTGGATGCCTTCCTCTAGGTCCTTTAGGAGGTCATAGACGTTGCTGTCAGAG-3'
Protein context (NP_000506.2, residues 141-161): KDLEEGIQTL[Met151Ile]GRLEDGSPRT